The following is an entry in ClinVar:

ClinVar aggregate classification (germline): Conflicting classifications of pathogenicity. Review status: criteria provided, conflicting classifications (1 of 4 stars). 10 submissions from 8 submitters: Uncertain significance (3); Benign (3); Likely benign (4). Last evaluated 2025-11-12.

Conditions:
Cardiovascular phenotype. Identifiers: MedGen CN230736.
Arrhythmogenic cardiomyopathy with wooly hair and keratoderma. Also called: PALMOPLANTAR KERATODERMA WITH LEFT VENTRICULAR CARDIOMYOPATHY AND WOOLLY HAIR; Arrhythmogenic cardiomyopathy with woolly hair and keratoderma; Dilated cardiomyopathy with woolly hair and keratoderma; Carvajal syndrome. Identifiers: Orphanet 65282, MedGen C1854063, MONDO:0011581, OMIM 605676.
Arrhythmogenic right ventricular dysplasia 8 (ARVD8). Also called: Arrhythmogenic Right Ventricular Dysplasia/Cardiomyopathy 8; ARRHYTHMOGENIC RIGHT VENTRICULAR DYSPLASIA, FAMILIAL, 8; ARRHYTHMOGENIC RIGHT VENTRICULAR CARDIOMYOPATHY 8. Identifiers: MedGen C1843896, MONDO:0011831, OMIM 607450.
Cardiomyopathy (CMYO). Also called: Cardiomyopathies. Identifiers: Orphanet 167848, MedGen C0878544, MONDO:0004994, HP:0001638. Inheritance: Various modes of inheritance.
Lethal acantholytic epidermolysis bullosa (EBLA). Identifiers: Orphanet 158687, MedGen C1864826, MONDO:0012323, OMIM 609638.
Woolly hair-skin fragility syndrome (WHSF). Identifiers: Orphanet 293165, MedGen C1843292, MONDO:0957307, OMIM 620415.

Allele frequency attached by ClinVar (database versions not stated): gnomAD below 0.00001 and 0.00008; TOPMed 0.00001; gnomAD exomes 0.00013 and 0.00027; ExAC 0.00028; 1000 Genomes Project 30x 0.00047; 1000 Genomes Project 0.00060.
gnomAD v4.1: 203 of 1,614,168 alleles (0.013%); highest among the groups gnomAD compares: South Asian, 0.21%; 3 homozygotes.

Submissions (10):

Labcorp Genetics (formerly Invitae), Labcorp
Classification: Benign for Arrhythmogenic cardiomyopathy with wooly hair and keratoderma; Arrhythmogenic right ventricular dysplasia 8. Last evaluated: 2025-11-12. Review status: criteria provided, single submitter. Criteria: Invitae Variant Classification Sherloc (09022015). Collection method: clinical testing. Allele origin: germline.

Blueprint Genetics
Classification: Likely benign. Last evaluated: 2024-10-23. Review status: criteria provided, single submitter. Criteria: ACMG Guidelines, 2015. Collection method: clinical testing. Allele origin: germline.

All of Us Research Program, National Institutes of Health
Classification: Benign for Arrhythmogenic cardiomyopathy with wooly hair and keratoderma. Last evaluated: 2024-01-11. Review status: criteria provided, single submitter. Criteria: ACMG Guidelines, 2015. Collection method: clinical testing. Allele origin: germline. Inheritance: Autosomal dominant inheritance. Observed: 5 variant alleles, 5 heterozygotes.
Comment: This study involves interpretation of variants in research participants for the purpose of population health screening. Participant phenotype was not available at the time of variant classification. Additional details can be found in publication PMID: 35346344, PMCID: PMC8962531

Ambry Genetics
Classification: Likely benign for Cardiovascular phenotype. Last evaluated: 2021-03-03. Review status: criteria provided, single submitter. Criteria: Ambry Variant Classification Scheme 2023. Collection method: clinical testing. Allele origin: germline.

GeneDx
Classification: Likely benign. Last evaluated: 2020-12-08. Review status: criteria provided, single submitter. Criteria: GeneDx Variant Classification Process June 2021. Collection method: clinical testing. Allele origin: germline. Affected: yes.

Color Diagnostics, LLC DBA Color Health
Classification: Benign for Cardiomyopathy. Last evaluated: 2018-10-16. Review status: criteria provided, single submitter. Criteria: ACMG Guidelines, 2015. Collection method: clinical testing. Allele origin: germline.

Illumina Laboratory Services, Illumina
Classification: Uncertain significance for Lethal acantholytic epidermolysis bullosa. Last evaluated: 2018-01-13. Review status: criteria provided, single submitter. Criteria: ICSL Variant Classification Criteria 13 December 2019. Collection method: clinical testing. Allele origin: germline.

Illumina Laboratory Services, Illumina
Classification: Uncertain significance for Arrhythmogenic right ventricular dysplasia 8. Last evaluated: 2018-01-13. Review status: criteria provided, single submitter. Criteria: ICSL Variant Classification Criteria 13 December 2019. Collection method: clinical testing. Allele origin: germline.

Illumina Laboratory Services, Illumina
Classification: Uncertain significance for Arrhythmogenic cardiomyopathy with wooly hair and keratoderma. Last evaluated: 2018-01-13. Review status: criteria provided, single submitter. Criteria: ICSL Variant Classification Criteria 13 December 2019. Collection method: clinical testing. Allele origin: germline.

Laboratory for Molecular Medicine, Mass General Brigham Personalized Medicine
Classification: Likely benign. Last evaluated: 2012-09-05. Review status: criteria provided, single submitter. Criteria: LMM Criteria. Collection method: clinical testing. Allele origin: germline. Observed: 1 variant allele.
Comment: Leu2519Leu in exon 24 of DSP: This variant is not expected to have clinical sign ificance because it does not alter an amino acid residue and is not located with in the splice consensus sequence. Leu2519Leu in exon 24 of DSP (allele frequen cy = n/a)

NM_004415.4(DSP):c.7557G>A (p.Leu2519=)

Gene: DSP (desmoplakin; plus strand). Cytogenetic location: 6p24.3.
Variant type: single nucleotide variant.
Coding change: c.7557G>A on transcript NM_004415.4 (MANE Select); coding-DNA position 7557, G replaced by A.
Protein change: p.Leu2519=; no amino-acid change (leucine 2519 retained).
Molecular consequence: synonymous variant.
Genome position (GRCh38, 1-based): chr6:7,584,819, G>A. VCF-style: chr6-7584819-G-A. GRCh37 (hg19) VCF-style: chr6-7585052-G-A.
Other names: c.5760G>A, p.Leu1920= (NM_001008844.3); c.6228G>A, p.Leu2076= (NM_001319034.2).
Identifiers: ClinVar variation 44953 (VCV000044953.25), dbSNP rs397516957, ClinGen allele CA007225.